The following is an entry in ClinVar:

ClinVar aggregate classification (germline): Uncertain significance. Review status: criteria provided, multiple submitters, no conflicts (2 of 4 stars). 2 submissions from 2 submitters: Uncertain significance (2). Last evaluated 2025-02-12.

Conditions:
Inborn genetic diseases. Identifiers: MedGen C0950123, MeSH D030342.

gnomAD v4.1: 12 of 1,613,240 alleles (0.00074%); highest among the groups gnomAD compares: African/African-American, 0.0013%; no homozygotes.

Submissions (2):

Ambry Genetics
Classification: Uncertain significance for Inborn genetic diseases. Last evaluated: 2025-02-12. Review status: criteria provided, single submitter. Criteria: Ambry Variant Classification Scheme 2023. Collection method: clinical testing. Allele origin: germline.

Labcorp Genetics (formerly Invitae), Labcorp
Classification: Uncertain significance. Last evaluated: 2024-03-13. Review status: criteria provided, single submitter. Criteria: Invitae Variant Classification Sherloc (09022015). Collection method: clinical testing. Allele origin: germline.
Comment: This sequence change replaces alanine, which is neutral and non-polar, with aspartic acid, which is acidic and polar, at codon 777 of the AHDC1 protein (p.Ala777Asp). This variant is present in population databases (no rsID available, gnomAD 0.01%). This variant has not been reported in the literature in individuals affected with AHDC1-related conditions. An algorithm developed to predict the effect of missense changes on protein structure and function (PolyPhen-2) suggests that this variant is likely to be disruptive. In summary, the available evidence is currently insufficient to determine the role of this variant in disease. Therefore, it has been classified as a Variant of Uncertain Significance.

NM_001371928.1(AHDC1):c.2330C>A (p.Ala777Asp)

Gene: AHDC1 (AT-hook DNA binding motif containing 1; minus strand). Cytogenetic location: 1p36.11.
Variant type: single nucleotide variant.
Coding change: c.2330C>A on transcript NM_001371928.1 (MANE Select); coding-DNA position 2330, C replaced by A.
Protein change: p.Ala777Asp; replaces alanine 777 with aspartic acid.
Molecular consequence: missense variant.
Genome position (GRCh38, 1-based): chr1:27,549,786, G>T on the plus strand (C>A on the coding strand, the complement: AHDC1 is on the minus strand). VCF-style: chr1-27549786-G-T. GRCh37 (hg19) VCF-style: chr1-27876297-G-T.
Other names: c.2330C>A (NM_001029882.2); c.2330C>A, p.Ala777Asp (NM_001029882.3); short protein forms A777D.
Identifiers: ClinVar variation 3618197 (VCV003618197.3).